The following is an entry in ClinVar:

NM_032119.4(ADGRV1):c.11524del (p.Thr3841_Ile3842insTer)

Gene: ADGRV1 (adhesion G protein-coupled receptor V1; plus strand). Cytogenetic location: 5q14.3.
Variant type: Deletion.
Coding change: c.11524del on transcript NM_032119.4 (MANE Select); coding-DNA position 11524, one base deleted (A; older notation c.11524delA).
Protein change: p.Thr3841_Ile3842insTer.
Molecular consequence: nonsense. On other transcripts: non-coding transcript variant (1).
Genome position (GRCh38, 1-based): chr5:90,755,129, A deleted; the last of 2 consecutive A bases (chr5:90,755,128-90,755,129); deleting either gives the same sequence. VCF-style (leftmost placement, unchanged base first): chr5-90755127-CA-C. GRCh37 (hg19) VCF-style: chr5-90050944-CA-C.
Identifiers: ClinVar variation 961245 (VCV000961245.7), dbSNP rs1755693558, ClinGen allele CA1078669783.

ClinVar aggregate classification (germline): Pathogenic (1 of 4 stars; one submission).

Submission:

Labcorp Genetics (formerly Invitae), Labcorp
Classification: Pathogenic. Last evaluated: 2024-07-05. Review status: criteria provided, single submitter. Criteria: Invitae Variant Classification Sherloc (09022015). Collection method: clinical testing. Allele origin: germline.
Comment: This sequence change creates a premature translational stop signal (p.Ile3842*) in the ADGRV1 gene. It is expected to result in an absent or disrupted protein product. Loss-of-function variants in ADGRV1 are known to be pathogenic (PMID: 19357117, 22135276, 22147658, 26226137, 30718709, 31047384, 32467589). This variant is not present in population databases (gnomAD no frequency). This variant has not been reported in the literature in individuals affected with ADGRV1-related conditions. ClinVar contains an entry for this variant (Variation ID: 961245). For these reasons, this variant has been classified as Pathogenic.

Literature cited by the submitters: PubMed 19357117; PubMed 22135276; PubMed 22147658; PubMed 26226137; PubMed 30718709; PubMed 31047384; PubMed 32467589.